The following is an entry in ClinVar:

ClinVar aggregate classification (germline): Uncertain significance. Review status: criteria provided, multiple submitters, no conflicts (2 of 4 stars). 2 submissions from 2 submitters: Uncertain significance (2). Last evaluated 2024-02-09.

Conditions:
FG syndrome (FGS). Identifiers: MedGen C0220769, MONDO:0002010.
Familial thoracic aortic aneurysm and aortic dissection (TAAD). Also called: Thoracic aortic aneurysms and dissections. Identifiers: Orphanet 91387, MedGen C4707243, MONDO:0019625.

Allele frequency attached by ClinVar (database versions not stated): gnomAD exomes below 0.00001; gnomAD 0.00001; TOPMed 0.00002.
gnomAD v4.1: 2 of 1,208,412 alleles (0.00017%); highest among the groups gnomAD compares: African/African-American, 0.0018%; no homozygotes.

Submissions (2):

Labcorp Genetics (formerly Invitae), Labcorp
Classification: Uncertain significance for FG syndrome. Last evaluated: 2024-02-09. Review status: criteria provided, single submitter. Criteria: Invitae Variant Classification Sherloc (09022015). Collection method: clinical testing. Allele origin: germline.
Comment: This sequence change replaces valine, which is neutral and non-polar, with isoleucine, which is neutral and non-polar, at codon 781 of the MED12 protein (p.Val781Ile). This variant is not present in population databases (gnomAD no frequency). This variant has not been reported in the literature in individuals affected with MED12-related conditions. ClinVar contains an entry for this variant (Variation ID: 1024426). Advanced modeling of protein sequence and biophysical properties (such as structural, functional, and spatial information, amino acid conservation, physicochemical variation, residue mobility, and thermodynamic stability) performed at Invitae indicates that this missense variant is not expected to disrupt MED12 protein function with a negative predictive value of 95%. In summary, the available evidence is currently insufficient to determine the role of this variant in disease. Therefore, it has been classified as a Variant of Uncertain Significance.

Ambry Genetics
Classification: Uncertain significance for Familial thoracic aortic aneurysm and aortic dissection. Last evaluated: 2022-03-04. Review status: criteria provided, single submitter. Criteria: Ambry Variant Classification Scheme 2023. Collection method: clinical testing. Allele origin: germline.
Comment: The p.V781I variant (also known as c.2341G>A), located in coding exon 16 of the MED12 gene, results from a G to A substitution at nucleotide position 2341. The valine at codon 781 is replaced by isoleucine, an amino acid with highly similar properties. This amino acid position is conserved. In addition, this alteration is predicted to be tolerated by in silico analysis. Since supporting evidence is limited at this time, the clinical significance of this alteration remains unclear.

NM_005120.3(MED12):c.2341G>A (p.Val781Ile)

Gene: MED12 (mediator complex subunit 12; plus strand). Cytogenetic location: Xq13.1.
Variant type: single nucleotide variant.
Coding change: c.2341G>A on transcript NM_005120.3 (MANE Select); coding-DNA position 2341, G replaced by A.
Protein change: p.Val781Ile; replaces valine 781 with isoleucine.
Molecular consequence: missense variant.
Genome position (GRCh38, 1-based): chrX:71,125,465, G>A. VCF-style: chrX-71125465-G-A. GRCh37 (hg19) VCF-style: chrX-70345315-G-A.
Other names: short protein forms V781I.
Identifiers: ClinVar variation 1024426 (VCV001024426.11), dbSNP rs2092300526, ClinGen allele CA413514533.
Genomic context (GRCh38, chrX:71,125,465, plus strand): 5'-GGAAAGCAGCGAGATGATGCCCGCCATGCCATCAAGAAAATCACCAAGGATATCTTGAAG[G>A]TTCTGAACCGCAAAGGGACAGCAGAAACTGGTGGGTTTGAGGCTCCTTAAACAGATCTCC-3'
Protein context (NP_005111.2, residues 771-791): IKKITKDILK[Val781Ile]LNRKGTAETD